The following is an entry in ClinVar:

ClinVar aggregate classification (germline): Uncertain significance. Review status: criteria provided, multiple submitters, no conflicts (2 of 4 stars). 2 submissions from 2 submitters: Uncertain significance (2). Last evaluated 2022-08-28.

Conditions:
Inborn genetic diseases. Identifiers: MedGen C0950123, MeSH D030342.
Combined immunodeficiency due to LRBA deficiency. Also called: Common variable immunodeficiency 8, with autoimmunity. Identifiers: Orphanet 445018, MedGen C3553512, MONDO:0013863, OMIM 614700.

Allele frequency attached by ClinVar (database versions not stated): gnomAD exomes 0.00001; TOPMed 0.00001.
gnomAD v4.1: 13 of 1,613,598 alleles (0.00081%); highest among the groups gnomAD compares: Admixed American, 0.01%; no homozygotes.

Submissions (2):

Labcorp Genetics (formerly Invitae), Labcorp
Classification: Uncertain significance for Combined immunodeficiency due to LRBA deficiency. Last evaluated: 2022-08-28. Review status: criteria provided, single submitter. Criteria: Invitae Variant Classification Sherloc (09022015). Collection method: clinical testing. Allele origin: germline.
Comment: This sequence change replaces valine, which is neutral and non-polar, with isoleucine, which is neutral and non-polar, at codon 890 of the LRBA protein (p.Val890Ile). This variant is present in population databases (rs141892801, gnomAD 0.02%). This variant has not been reported in the literature in individuals affected with LRBA-related conditions. ClinVar contains an entry for this variant (Variation ID: 1399211). Algorithms developed to predict the effect of missense changes on protein structure and function are either unavailable or do not agree on the potential impact of this missense change (SIFT: "Tolerated"; PolyPhen-2: "Probably Damaging"; Align-GVGD: "Class C0"). In summary, the available evidence is currently insufficient to determine the role of this variant in disease. Therefore, it has been classified as a Variant of Uncertain Significance.

Ambry Genetics
Classification: Uncertain significance for Inborn genetic diseases. Last evaluated: 2021-11-09. Review status: criteria provided, single submitter. Criteria: Ambry Variant Classification Scheme 2023. Collection method: clinical testing. Allele origin: germline.

NM_001364905.1(LRBA):c.2668G>A (p.Val890Ile)

Gene: LRBA (LPS responsive beige-like anchor protein; minus strand). Cytogenetic location: 4q31.3.
Variant type: single nucleotide variant.
Coding change: c.2668G>A on transcript NM_001364905.1 (MANE Select); coding-DNA position 2668, G replaced by A.
Protein change: p.Val890Ile; replaces valine 890 with isoleucine.
Molecular consequence: missense variant.
Genome position (GRCh38, 1-based): chr4:150,867,769, C>T on the plus strand (G>A on the coding strand, the complement: LRBA is on the minus strand). VCF-style: chr4-150867769-C-T. GRCh37 (hg19) VCF-style: chr4-151788921-C-T.
Other names: c.2668G>A, p.Val890Ile (NM_001199282.3, NM_001367550.1, NM_006726.5); short protein forms V890I.
Identifiers: ClinVar variation 1399211 (VCV001399211.6), dbSNP rs141892801, ClinGen allele CA3103174.
Genomic context (GRCh38, chr4:150,867,769, plus strand): 5'-GCCAGCCACCCCACTCATATTTGACTGCATGGTAAAGCAGGATTCTGAATATGGCGTATA[C>T]CATTTCTGTTATCTTTTGCTCATCTGAATTCTTAGGATTAAAATAGCAGAGAGAAAGCAT-3'
Protein context (NP_001351834.1, residues 880-900): NSDEQKITEM[Val890Ile]YAIFRILLYH